The following is an entry in ClinVar:

NM_020831.6(MRTFA):c.943T>G (p.Ser315Ala)

Gene: MRTFA (myocardin related transcription factor A; minus strand). Cytogenetic location: 22q13.1.
Variant type: single nucleotide variant.
Coding change: c.943T>G on transcript NM_020831.6 (MANE Select); coding-DNA position 943, T replaced by G.
Protein change: p.Ser315Ala; replaces serine 315 with alanine.
Molecular consequence: missense variant.
Genome position (GRCh38, 1-based): chr22:40,421,085, A>C on the plus strand (T>G on the coding strand, the complement: MRTFA is on the minus strand). VCF-style: chr22-40421085-A-C. GRCh37 (hg19) VCF-style: chr22-40817089-A-C.
Other names: c.643T>G, p.Ser215Ala (NM_001282660.2); c.793T>G, p.Ser265Ala (NM_001282661.3); c.943T>G, p.Ser315Ala (NM_001282662.3); c.748T>G, p.Ser250Ala (NM_001318139.2); short protein forms S215A, S250A, S265A, S315A.
Identifiers: ClinVar variation 1683128 (VCV001683128.8), dbSNP rs1255557451, ClinGen allele CA411664815.

ClinVar aggregate classification (germline): Uncertain significance (1 of 4 stars; one submission).

Allele frequency attached by ClinVar (database versions not stated): TOPMed below 0.00001; gnomAD exomes 0.00001.
gnomAD v4.1: 1 of 1,531,742 alleles (0.000065%); highest among the groups gnomAD compares: East Asian, 0.0023%; no homozygotes.

Submission:

Labcorp Genetics (formerly Invitae), Labcorp
Classification: Uncertain significance. Last evaluated: 2022-08-15. Review status: criteria provided, single submitter. Criteria: Invitae Variant Classification Sherloc (09022015). Collection method: clinical testing. Allele origin: germline.
Comment: In summary, the available evidence is currently insufficient to determine the role of this variant in disease. Therefore, it has been classified as a Variant of Uncertain Significance. Algorithms developed to predict the effect of missense changes on protein structure and function output the following: SIFT: "Tolerated"; PolyPhen-2: "Benign"; Align-GVGD: "Class C0". The alanine amino acid residue is found in multiple mammalian species, which suggests that this missense change does not adversely affect protein function. ClinVar contains an entry for this variant (Variation ID: 1683128). This variant has not been reported in the literature in individuals affected with MKL1-related conditions. This variant is present in population databases (no rsID available, gnomAD 0.007%). This sequence change replaces serine, which is neutral and polar, with alanine, which is neutral and non-polar, at codon 215 of the MKL1 protein (p.Ser215Ala).